The following is an entry in ClinVar:

ClinVar aggregate classification (germline): Uncertain significance. Review status: criteria provided, multiple submitters, no conflicts (2 of 4 stars). 2 submissions from 2 submitters: Uncertain significance (2). Last evaluated 2025-09-09.

Allele frequency attached by ClinVar (database versions not stated): TOPMed below 0.00001.

Submissions (2):

GeneDx
Classification: Uncertain significance. Last evaluated: 2025-09-09. Review status: criteria provided, single submitter. Criteria: GeneDx Variant Classification Process June 2021. Collection method: clinical testing. Allele origin: germline. Affected: yes.
Comment: Not observed at significant frequency in large population cohorts (gnomAD); In silico analysis suggests that this missense variant does not alter protein structure/function; Has not been previously published as pathogenic or benign to our knowledge

Labcorp Genetics (formerly Invitae), Labcorp
Classification: Uncertain significance. Last evaluated: 2021-06-02. Review status: criteria provided, single submitter. Criteria: Invitae Variant Classification Sherloc (09022015). Collection method: clinical testing. Allele origin: germline.
Comment: Algorithms developed to predict the effect of missense changes on protein structure and function (SIFT, PolyPhen-2, Align-GVGD) all suggest that this variant is likely to be disruptive, but these predictions have not been confirmed by published functional studies and their clinical significance is uncertain. In summary, the available evidence is currently insufficient to determine the role of this variant in disease. Therefore, it has been classified as a Variant of Uncertain Significance. This variant has not been reported in the literature in individuals with TNNI3K-related conditions. This sequence change replaces leucine with proline at codon 613 of the TNNI3K protein (p.Leu613Pro). The leucine residue is highly conserved and there is a moderate physicochemical difference between leucine and proline. This variant is not present in population databases (ExAC no frequency).

NM_015978.3(TNNI3K):c.1838T>C (p.Leu613Pro)

Genes: FPGT-TNNI3K (FPGT-TNNI3K readthrough; plus strand), TNNI3K (TNNI3 interacting kinase; plus strand). Cytogenetic location: 1p31.1.
Variant type: single nucleotide variant.
Coding change: c.1838T>C on transcript NM_015978.3 (MANE Select); coding-DNA position 1838, T replaced by C.
Protein change: p.Leu613Pro; replaces leucine 613 with proline.
Molecular consequence: missense variant.
Genome position (GRCh38, 1-based): chr1:74,436,486, T>C. VCF-style: chr1-74436486-T-C. GRCh37 (hg19) VCF-style: chr1-74902170-T-C.
Other names: c.2141T>C, p.Leu714Pro (NM_001112808.3, NM_001199327.2); short protein forms L714P, L613P.
Identifiers: ClinVar variation 1385994 (VCV001385994.9), dbSNP rs201066677, ClinGen allele CA24564888.